The following is an entry in ClinVar:

ClinVar aggregate classification (germline): Uncertain significance (1 of 4 stars; one submission).

Allele frequency attached by ClinVar (database versions not stated): gnomAD exomes below 0.00001.

Submission:

Labcorp Genetics (formerly Invitae), Labcorp
Classification: Uncertain significance. Last evaluated: 2025-10-16. Review status: criteria provided, single submitter. Criteria: Invitae Variant Classification Sherloc (09022015). Collection method: clinical testing. Allele origin: germline.
Comment: This sequence change replaces glutamic acid, which is acidic and polar, with lysine, which is basic and polar, at codon 1062 of the POLE protein (p.Glu1062Lys). This variant is not present in population databases (gnomAD no frequency). This variant has not been reported in the literature in individuals affected with POLE-related conditions. ClinVar contains an entry for this variant (Variation ID: 1519910). Invitae Evidence Modeling of protein sequence and biophysical properties (such as structural, functional, and spatial information, amino acid conservation, physicochemical variation, residue mobility, and thermodynamic stability) indicates that this missense variant is expected to disrupt POLE protein function with a positive predictive value of 80%. In summary, the available evidence is currently insufficient to determine the role of this variant in disease. Therefore, it has been classified as a Variant of Uncertain Significance.

NM_006231.4(POLE):c.3184G>A (p.Glu1062Lys)

Gene: POLE (DNA polymerase epsilon, catalytic subunit; minus strand). Cytogenetic location: 12q24.33.
Variant type: single nucleotide variant.
Coding change: c.3184G>A on transcript NM_006231.4 (MANE Select); coding-DNA position 3184, G replaced by A.
Protein change: p.Glu1062Lys; replaces glutamic acid 1062 with lysine.
Molecular consequence: missense variant.
Genome position (GRCh38, 1-based): chr12:132,659,386, C>T on the plus strand (G>A on the coding strand, the complement: POLE is on the minus strand). VCF-style: chr12-132659386-C-T. GRCh37 (hg19) VCF-style: chr12-133235972-C-T.
Other names: short protein forms E1062K.
Identifiers: ClinVar variation 1519910 (VCV001519910.8), dbSNP rs2138676189, ClinGen allele CA387390703.
Genomic context (GRCh38, chr12:132,659,386, plus strand): 5'-GGGAGATGATGTAGCGGCAACTCAGCCCTGCATCCTTGACCATCTGGTCTCCCAGGAACT[C>T]GGCCAGGCGCTTTGCTGTGCTGATGGACGTAGACTTCTGCTCCCCGTAATCTTCCAGCTT-3'
Protein context (NP_006222.2, residues 1052-1072): TSISTAKRLA[Glu1062Lys]FLGDQMVKDA